The following is an entry in ClinVar:

ClinVar aggregate classification (germline): Uncertain significance. Review status: criteria provided, multiple submitters, no conflicts (2 of 4 stars). 2 submissions from 2 submitters: Uncertain significance (2). Last evaluated 2023-06-22.

Conditions:
Intellectual developmental disorder, autosomal dominant 52. Also called: Intellectual disability, autosomal dominant 52; Mental retardation, autosomal dominant 52. Identifiers: MedGen C4540478, MONDO:0030918, OMIM 617796.

Allele frequency attached by ClinVar (database versions not stated): ExAC 0.00001; gnomAD exomes 0.00001.
gnomAD v4.1: 5 of 1,614,138 alleles (0.00031%); highest among the groups gnomAD compares: South Asian, 0.0055%; no homozygotes.

Submissions (2):

Neuberg Centre For Genomic Medicine, NCGM
Classification: Uncertain significance for Intellectual developmental disorder, autosomal dominant 52. Last evaluated: 2023-06-22. Review status: criteria provided, single submitter. Criteria: ACMG Guidelines, 2015. Collection method: clinical testing. Allele origin: germline. Inheritance: Autosomal dominant inheritance. Affected: yes.
Comment: The missense variant c.7934G>A(p.Cys2645Tyr) in ASH1L gene has not been reported previously as a pathogenic variant nor as a benign variant, to our knowledge. The observed variant has allele frequency of 0.0004% in gnomAD exomes database. This variant has been submitted to the ClinVar database as Uncertain Significance (VUS). Multiple lines of computational evidence (Polyphen - possibly damaging, SIFT - tolerated and MutationTaster - disease causing) predicts conflicting evidence on protein structure and function for this variant. The reference amino acid change p.Cys2645Tyr in ASH1L is predicted as conserved by GERP++ and PhyloP across 100 vertebrates. The amino acid Cys at position 2645 is changed to a Tyr changing protein sequence and it might alter its composition and physico-chemical properties. For these reasons, this variant has been classified as Uncertain Significance (VUS).

Revvity Omics, Revvity
Classification: Uncertain significance for Intellectual developmental disorder, autosomal dominant 52. Last evaluated: 2021-10-19. Review status: criteria provided, single submitter. Criteria: ACMG Guidelines, 2015. Collection method: clinical testing. Allele origin: germline.

NM_018489.3(ASH1L):c.7934G>A (p.Cys2645Tyr)

Gene: ASH1L (ASH1 like histone lysine methyltransferase; minus strand). Cytogenetic location: 1q22.
Variant type: single nucleotide variant.
Coding change: c.7934G>A on transcript NM_018489.3 (MANE Select); coding-DNA position 7934, G replaced by A.
Protein change: p.Cys2645Tyr; replaces cysteine 2645 with tyrosine.
Molecular consequence: missense variant.
Genome position (GRCh38, 1-based): chr1:155,344,230, C>T on the plus strand (G>A on the coding strand, the complement: ASH1L is on the minus strand). VCF-style: chr1-155344230-C-T. GRCh37 (hg19) VCF-style: chr1-155314021-C-T.
Other names: c.7949G>A, p.Cys2650Tyr (NM_001366177.2); short protein forms C2645Y, C2650Y.
Identifiers: ClinVar variation 2439238 (VCV002439238.4), dbSNP rs765774025, ClinGen allele CA1145993.
Genomic context (GRCh38, chr1:155,344,230, plus strand): 5'-CCTGTATACATACCCTGACGAAGCAGCAAGTCATCTCGGAGCAAACAGATGAAGTAGACA[C>T]AGCCAGGTTGGGCATAGTGGGGCCGAGGGATCATGGGAACCTCCTGATAGGAGCAGAAAG-3'
Protein context (NP_060959.2, residues 2635-2655): IPRPHYAQPG[Cys2645Tyr]VYFICLLRDD